The following is an entry in ClinVar:

NM_144508.5(KNL1):c.4737A>G (p.Leu1579=)

Gene: KNL1 (kinetochore scaffold 1; plus strand). Cytogenetic location: 15q15.1.
Variant type: single nucleotide variant.
Coding change: c.4737A>G on transcript NM_144508.5 (MANE Select); coding-DNA position 4737, A replaced by G.
Protein change: p.Leu1579=; no amino-acid change (leucine 1579 retained).
Molecular consequence: synonymous variant.
Genome position (GRCh38, 1-based): chr15:40,625,001, A>G. VCF-style: chr15-40625001-A-G. GRCh37 (hg19) VCF-style: chr15-40917199-A-G.
Other names: c.4815A>G, p.Leu1605= (NM_170589.5).
Identifiers: ClinVar variation 3358435 (VCV003358435.1).
Genomic context (GRCh38, chr15:40,625,001, plus strand): 5'-AAATCTGAATAATTTGAATGGAAAAACTGGAGAGTTTTTAGCCTTTCAAACTGTTCATCT[A>G]CCACCCCTTCCAGAGCAATTACTTGAATTAGGAAATAAGGCACACAATGATATGCATATA-3'
Protein context (NP_653091.3, residues 1569-1589): GEFLAFQTVH[Leu1579=]PPLPEQLLEL

ClinVar aggregate classification (germline): Likely benign (0 of 4 stars; one submission).

Conditions:
KNL1-related disorder. Also called: KNL1-related condition.

gnomAD v4.1: 10 of 1,613,890 alleles (0.00062%); highest among the groups gnomAD compares: African/African-American, 0.004%; no homozygotes.

Submission:

PreventionGenetics, part of Exact Sciences
Classification: Likely benign for KNL1-related condition. Last evaluated: 2019-08-09. Review status: no assertion criteria provided. Collection method: clinical testing. Allele origin: germline.
Comment: This variant is classified as likely benign based on ACMG/AMP sequence variant interpretation guidelines (Richards et al. 2015 PMID: 25741868, with internal and published modifications).